The following is an entry in ClinVar:

ClinVar aggregate classification (germline): Conflicting classifications of pathogenicity. Review status: criteria provided, conflicting classifications (1 of 4 stars). 7 submissions from 7 submitters: Uncertain significance (2); Benign (3); Likely benign (1). 1 of the submissions does not count toward it. Last evaluated 2026-01-27.

Conditions:
Charcot-Marie-Tooth disease type 4B3. Also called: Charcot-Marie-Tooth Neuropathy Type 4B3; CHARCOT-MARIE-TOOTH DISEASE, DEMYELINATING, TYPE 4B3. Identifiers: Orphanet 363981, MedGen C3695063, MONDO:0014117, OMIM 615284.
SBF1-related disorder. Also called: SBF1-related condition.
Tip-toe gait. Also called: Toe walking. Identifiers: MedGen C0427144, HP:0030051.

Allele frequency attached by ClinVar (database versions not stated): gnomAD exomes 0.00052; gnomAD 0.00056 and 0.00058; ESP Exome Variant Server 0.00062; TOPMed 0.00062.

Submissions (7):

Labcorp Genetics (formerly Invitae), Labcorp
Classification: Benign. Last evaluated: 2026-01-27. Review status: criteria provided, single submitter. Criteria: Invitae Variant Classification Sherloc (09022015). Collection method: clinical testing. Allele origin: germline.

GeneDx
Classification: Uncertain significance. Last evaluated: 2025-11-25. Review status: criteria provided, single submitter. Criteria: GeneDx Variant Classification Process June 2021. Collection method: clinical testing. Allele origin: germline. Affected: yes.
Comment: In silico analysis supports that this missense variant has a deleterious effect on protein structure/function; Has not been previously published as pathogenic or benign to our knowledge; This variant is associated with the following publications: (PMID: 26547235)

Mayo Clinic Laboratories, Mayo Clinic
Classification: Benign. Last evaluated: 2024-12-10. Review status: criteria provided, single submitter. Criteria: ACMG Guidelines, 2015. Collection method: clinical testing. Allele origin: germline. Observed: 1 variant allele.
Comment: BS1, BS2, BP4

Blueprint Genetics
Classification: Likely benign. Last evaluated: 2024-10-17. Review status: criteria provided, single submitter. Criteria: ACMG Guidelines, 2015. Collection method: clinical testing. Allele origin: germline.

Practice for Gait Abnormalities, David Pomarino, Competency Network Toe Walking C/o Practice Pomarino
Classification: Benign for Tip-toe gait. Last evaluated: 2020-11-16. Review status: criteria provided, single submitter. Criteria: Pomarino et al. (Glob Med Genet. 2026). Collection method: clinical testing. Allele origin: germline. Affected: yes.

ARUP Laboratories, Molecular Genetics and Genomics, ARUP Laboratories
Classification: Uncertain significance for Charcot-Marie-Tooth disease type 4B3. Last evaluated: 2019-07-22. Review status: criteria provided, single submitter. Criteria: ARUP Molecular Germline Variant Investigation Process. Collection method: clinical testing. Allele origin: germline.
Comment: The SBF1 c.3157C>T; p.Arg1053Trp variant (rs202156491) is reported in the literature without association to disease in a family studied by exome sequencing (Corpas 2015). This variant is reported in ClinVar (Variation ID: 440252) and is found in the Ashkenazi Jewish population with an overall allele frequency of 1.5% (143/9846 alleles) in the Genome Aggregation Database. The arginine at codon 1053 is moderately conserved, and computational analyses (SIFT, PolyPhen-2) predict that this variant is deleterious. However, due to limited information, the clinical significance of the p.Arg1053Trp variant is uncertain at this time. References: Corpas M et al. Crowdsourced direct-to-consumer genomic analysis of a family quartet. BMC Genomics. 2015 Nov 7;16:910.

PreventionGenetics, part of Exact Sciences
Classification: Likely benign for SBF1-related condition. Last evaluated: 2019-04-29. Review status: no assertion criteria provided. Collection method: clinical testing. Allele origin: germline. Not counted in ClinVar's aggregate classification.
Comment: This variant is classified as likely benign based on ACMG/AMP sequence variant interpretation guidelines (Richards et al. 2015 PMID: 25741868, with internal and published modifications).

Literature cited by the submitters: PubMed 26547235 (cited by Mayo Clinic Laboratories, Mayo Clinic).

NM_002972.4(SBF1):c.3157C>T (p.Arg1053Trp)

Gene: SBF1 (SET binding factor 1; minus strand). Cytogenetic location: 22q13.33.
Variant type: single nucleotide variant.
Coding change: c.3157C>T on transcript NM_002972.4 (MANE Select); coding-DNA position 3157, C replaced by T.
Protein change: p.Arg1053Trp; replaces arginine 1053 with tryptophan.
Molecular consequence: missense variant.
Genome position (GRCh38, 1-based): chr22:50,460,398, G>A on the plus strand (C>T on the coding strand, the complement: SBF1 is on the minus strand). VCF-style: chr22-50460398-G-A. GRCh37 (hg19) VCF-style: chr22-50898827-G-A.
Other names: p.Arg1053Trp; c.3160C>T, p.Arg1054Trp (NM_001365819.1); short protein forms R1053W, R1054W.
Identifiers: ClinVar variation 440252 (VCV000440252.29), dbSNP rs202156491, ClinGen allele CA10316839.
Genomic context (GRCh38, chr22:50,460,398, plus strand): 5'-ACTTCTTGCGAGTGACATGCTGCCGCCCGATGGTCTTCTTGGCGTTCTTGACCAGGTTCC[G>A]GGACAGGGTTCTGAGGCCCACGAGAGTCAGCAAAGGTGAGAGGAGGAGGGACAAAGATGA-3'
Protein context (NP_002963.2, residues 1043-1063): DKGPSLRTLS[Arg1053Trp]NLVKNAKKTI